The following is an entry in ClinVar:

NM_000051.4(ATM):c.6150C>T (p.Asp2050=)

Genes: ATM (ATM serine/threonine kinase; plus strand), C11orf65 (chromosome 11 open reading frame 65; minus strand). Cytogenetic location: 11q22.3.
Variant type: single nucleotide variant.
Coding change: c.6150C>T on transcript NM_000051.4 (MANE Select); coding-DNA position 6150, C replaced by T.
Protein change: p.Asp2050=; no amino-acid change (aspartic acid 2050 retained).
Molecular consequence: synonymous variant. On other transcripts: intron variant (2).
Genome position (GRCh38, 1-based): chr11:108,316,065, C>T. VCF-style: chr11-108316065-C-T. GRCh37 (hg19) VCF-style: chr11-108186792-C-T.
Other names: c.6150C>T, p.Asp2050= (NM_001351834.2); c.641-6994G>A (NM_001330368.2); c.*39-6994G>A (NM_001351110.2).
Identifiers: ClinVar variation 380246 (VCV000380246.13), dbSNP rs1057520805, ClinGen allele CA16606837.

ClinVar aggregate classification (germline): Benign/Likely benign. Review status: criteria provided, multiple submitters, no conflicts (2 of 4 stars). 4 submissions from 4 submitters: Benign (1); Likely benign (3). Last evaluated 2024-06-03.

Conditions:
Ataxia-telangiectasia syndrome (AT). Also called: Ataxia-telangiectasia, complementation group D; Ataxia-telangiectasia, complementation group E; LOUIS-BAR SYNDROME; AT, COMPLEMENTATION GROUP C; ATAXIA-TELANGIECTASIA, COMPLEMENTATION GROUP A; ATAXIA-TELANGIECTASIA, FRESNO VARIANT. Identifiers: Orphanet 100, MedGen C0004135, MONDO:0008840, OMIM 208900.
Familial cancer of breast. Also called: hereditary breast carcinoma; Hereditary breast cancer; BREAST CANCER, FAMILIAL. Identifiers: Orphanet 227535, MedGen C0346153, MONDO:0016419, OMIM 114480. Disease mechanism: loss of function.
Hereditary cancer-predisposing syndrome. Also called: Neoplastic Syndromes, Hereditary; Hereditary neoplastic syndrome; Hereditary Cancer Syndrome; Tumor predisposition. Identifiers: Orphanet 140162, MedGen C0027672, MeSH D009386, MONDO:0015356.

Submissions (4):

Myriad Genetics, Inc.
Classification: Benign for Familial cancer of breast. Last evaluated: 2024-06-03. Review status: criteria provided, single submitter. Criteria: Myriad Autosomal Dominant, Autosomal Recessive and X-Linked Classification Criteria (2023). Collection method: clinical testing. Allele origin: unknown.
Comment: This variant is considered benign. This variant is a silent/synonymous amino acid change and it is not expected to impact splicing.

Labcorp Genetics (formerly Invitae), Labcorp
Classification: Likely benign for Ataxia-telangiectasia syndrome. Last evaluated: 2024-02-12. Review status: criteria provided, single submitter. Criteria: Invitae Variant Classification Sherloc (09022015). Collection method: clinical testing. Allele origin: germline.

Ambry Genetics
Classification: Likely benign for Hereditary cancer-predisposing syndrome. Last evaluated: 2020-09-12. Review status: criteria provided, single submitter. Criteria: Ambry Variant Classification Scheme 2023. Collection method: clinical testing. Allele origin: germline.

GeneDx
Classification: Likely benign. Last evaluated: 2016-03-30. Review status: criteria provided, single submitter. Criteria: GeneDx Variant Classification (06012015). Collection method: clinical testing. Allele origin: germline. Affected: yes.
Comment: This variant is considered likely benign or benign based on one or more of the following criteria: it is a conservative change, it occurs at a poorly conserved position in the protein, it is predicted to be benign by multiple in silico algorithms, and/or has population frequency not consistent with disease.